The following is an entry in ClinVar:

NC_000005.9:g.(?_126783229)_(126784934_?)del

Gene: MEGF10 (multiple EGF like domains 10; plus strand). Cytogenetic location: 5q23.2.
Variant type: Deletion.
Identifiers: ClinVar variation 1412573 (VCV001412573.10).

ClinVar aggregate classification (germline): Uncertain significance (1 of 4 stars; one submission).

Conditions:
MEGF10-related myopathy (CMYO10A). Also called: Congenital myopathy 10A, severe variant. Identifiers: Orphanet 439212, MedGen C3280679, MONDO:0013731, OMIM 614399.

Submission:

Labcorp Genetics (formerly Invitae), Labcorp
Classification: Uncertain significance for MEGF10-related myopathy. Last evaluated: 2022-07-19. Review status: criteria provided, single submitter. Criteria: Invitae Variant Classification Sherloc (09022015). Collection method: clinical testing. Allele origin: germline.
Comment: This variant is a gross deletion of the genomic region encompassing exon(s) 22-23 of the MEGF10 gene. This variant would be expected to be in-frame, preserving the integrity of the reading frame. This variant has not been reported in the literature in individuals affected with MEGF10-related conditions. Experimental studies and prediction algorithms are not available or were not evaluated, and the functional significance of this variant is currently unknown. In summary, the available evidence is currently insufficient to determine the role of this variant in disease. Therefore, it has been classified as a Variant of Uncertain Significance.